The following is an entry in ClinVar:

ClinVar aggregate classification (germline): Uncertain significance (1 of 4 stars; one submission).

Allele frequency attached by ClinVar (database versions not stated): gnomAD 0.00001.

Submission:

Laboratory for Molecular Medicine, Mass General Brigham Personalized Medicine
Classification: Uncertain significance. Last evaluated: 2020-11-10. Review status: criteria provided, single submitter. Criteria: LMM Criteria. Collection method: clinical testing. Allele origin: germline. Observed: 1 variant allele.
Comment: The p.Arg153Gln variant in OTOG has not been previously reported in individuals with hearing loss, but has been identified in 0.01% (1/7976) of South Asian chromosomes by gnomAD. Computational prediction tools and conservation analyses do not provide strong support for or against an impact to the protein. In summary, the clinical significance of this variant is uncertain. ACMG/AMP Criteria applied: PM2_Supporting.

NM_001292063.2(OTOG):c.422G>A (p.Arg141Gln)

Gene: OTOG (otogelin; plus strand). Cytogenetic location: 11p15.1.
Variant type: single nucleotide variant.
Coding change: c.422G>A on transcript NM_001292063.2 (MANE Select); coding-DNA position 422, G replaced by A.
Protein change: p.Arg141Gln; replaces arginine 141 with glutamine.
Molecular consequence: missense variant.
Genome position (GRCh38, 1-based): chr11:17,553,401, G>A. VCF-style: chr11-17553401-G-A. GRCh37 (hg19) VCF-style: chr11-17574948-G-A.
Other names: c.458G>A, p.Arg153Gln (NM_001277269.2); short protein forms R141Q, R153Q.
Identifiers: ClinVar variation 1120071 (VCV001120071.4), dbSNP rs1260721968, ClinGen allele CA379811278.